The following is an entry in ClinVar:

NM_002474.3(MYH11):c.4365+23C>T

Genes: MYH11 (myosin heavy chain 11; minus strand), NDE1 (nudE neurodevelopment protein 1; plus strand). Cytogenetic location: 16p13.11.
Variant type: single nucleotide variant.
Coding change: c.4365+23C>T on transcript NM_002474.3 (MANE Select); 23 bases into the intron after coding-DNA position 4365, C replaced by T.
Molecular consequence: intron variant.
Genome position (GRCh38, 1-based): chr16:15,724,138, G>A on the plus strand (C>T on the coding strand, the complement: MYH11 is on the minus strand). VCF-style: chr16-15724138-G-A. GRCh37 (hg19) VCF-style: chr16-15817995-G-A.
Other names: c.948-53G>A (NM_001143979.2, NM_017668.3); c.4365+23C>T (NM_022844.3); c.4386+23C>T (NM_001040114.2, NM_001040113.2).
Identifiers: ClinVar variation 159021 (VCV000159021.7), dbSNP rs7193920, ClinGen allele CA172628.

ClinVar aggregate classification (germline): Benign. Review status: criteria provided, multiple submitters, no conflicts (2 of 4 stars). 3 submissions from 3 submitters: Benign (2). 1 of the submissions does not count toward it. Last evaluated 2018-06-14.

Allele frequency attached by ClinVar (database versions not stated): gnomAD exomes 0.03468; ExAC 0.03777; gnomAD 0.07945; TOPMed 0.08466; ESP Exome Variant Server 0.08512; 1000 Genomes Project 0.09265; 1000 Genomes Project 30x 0.09853.
gnomAD v4.1: 46,084 of 1,612,032 alleles (2.9%); highest among the groups gnomAD compares: African/African-American, 24%; 2,459 homozygotes.

Submissions (3):

GeneDx
Classification: Benign. Last evaluated: 2018-06-14. Review status: criteria provided, single submitter. Criteria: GeneDx Variant Classification (06012015). Collection method: clinical testing. Allele origin: germline. Affected: yes.
Comment: This variant is considered likely benign or benign based on one or more of the following criteria: it is a conservative change, it occurs at a poorly conserved position in the protein, it is predicted to be benign by multiple in silico algorithms, and/or has population frequency not consistent with disease.

Breakthrough Genomics
Classification: Benign. Review status: criteria provided, single submitter. Criteria: ACMG Guidelines, 2015. Collection method: not provided. Allele origin: germline. Inheritance: Autosomal recessive inheritance. Affected: yes.

Genetic Services Laboratory, University of Chicago
Classification: Likely benign. Review status: no assertion criteria provided. Collection method: clinical testing. Allele origin: germline. Inheritance: Autosomal recessive inheritance. Not counted in ClinVar's aggregate classification.
Comment: Likely benign based on allele frequency in 1000 Genomes Project or ESP global frequency and its presence in a patient with a rare or unrelated disease phenotype. NOT Sanger confirmed